The following is an entry in ClinVar:

ClinVar aggregate classification (germline): Pathogenic (1 of 4 stars; one submission).

Conditions:
Arrhythmogenic right ventricular dysplasia 8 (ARVD8). Also called: Arrhythmogenic Right Ventricular Dysplasia/Cardiomyopathy 8; ARRHYTHMOGENIC RIGHT VENTRICULAR DYSPLASIA, FAMILIAL, 8; ARRHYTHMOGENIC RIGHT VENTRICULAR CARDIOMYOPATHY 8. Identifiers: MedGen C1843896, MONDO:0011831, OMIM 607450.
Arrhythmogenic cardiomyopathy with wooly hair and keratoderma. Also called: PALMOPLANTAR KERATODERMA WITH LEFT VENTRICULAR CARDIOMYOPATHY AND WOOLLY HAIR; Carvajal syndrome; Arrhythmogenic cardiomyopathy with woolly hair and keratoderma; Dilated cardiomyopathy with woolly hair and keratoderma. Identifiers: Orphanet 65282, MedGen C1854063, MONDO:0011581, OMIM 605676.

Submission:

Labcorp Genetics (formerly Invitae), Labcorp
Classification: Pathogenic for Arrhythmogenic cardiomyopathy with wooly hair and keratoderma; Arrhythmogenic right ventricular dysplasia 8. Last evaluated: 2022-08-16. Review status: criteria provided, single submitter. Criteria: Invitae Variant Classification Sherloc (09022015). Collection method: clinical testing. Allele origin: germline.
Comment: For these reasons, this variant has been classified as Pathogenic. ClinVar contains an entry for this variant (Variation ID: 1072294). This variant has not been reported in the literature in individuals affected with DSP-related conditions. This variant is not present in population databases (gnomAD no frequency). This sequence change creates a premature translational stop signal (p.Lys886Serfs*3) in the DSP gene. It is expected to result in an absent or disrupted protein product. Loss-of-function variants in DSP are known to be pathogenic (PMID: 20716751, 24503780, 25227139).

Literature cited by the submitters: PubMed 20716751; PubMed 24503780; PubMed 25227139.

NM_004415.4(DSP):c.2655del (p.Lys886fs)

Gene: DSP (desmoplakin; plus strand). Cytogenetic location: 6p24.3.
Variant type: Deletion.
Coding change: c.2655del on transcript NM_004415.4 (MANE Select); coding-DNA position 2655, one base deleted (C; older notation c.2655delC).
Protein change: p.Lys886fs; shifts the reading frame from lysine 886.
Molecular consequence: frameshift variant.
Genome position (GRCh38, 1-based): chr6:7,576,318, C deleted. VCF-style (leftmost placement, unchanged base first): chr6-7576317-TC-T. GRCh37 (hg19) VCF-style: chr6-7576550-TC-T.
Other names: c.2655del, p.Lys886fs (NM_001008844.3, NM_001319034.2); short protein forms K886fs.
Identifiers: ClinVar variation 1072294 (VCV001072294.11), dbSNP rs2113686478, ClinGen allele CA2499218544.